The following is an entry in ClinVar:

ClinVar aggregate classification (germline): Uncertain significance (1 of 4 stars; one submission).

Allele frequency attached by ClinVar (database versions not stated): TOPMed below 0.00001; gnomAD 0.00001.
gnomAD v4.1: 1 of 1,607,552 alleles (0.000062%); highest among the groups gnomAD compares: East Asian, 0.0022%; no homozygotes.

Submission:

Ambry Genetics
Classification: Uncertain significance. Last evaluated: 2026-08-28. Review status: criteria provided, single submitter. Criteria: Ambry Variant Classification Scheme 2023. Collection method: clinical testing. Allele origin: germline.
Comment: The p.Q624* variant (also known as c.1870C>T), located in coding exon 14 of the RECQL gene, results from a C to T substitution at nucleotide position 1870. This changes the amino acid from a glutamine to a stop codon within coding exon 14. This variant occurs at the 3' terminus of the gene and is not expected to trigger nonsense-mediated mRNA decay. The evidence for this gene-disease relationship is limited; therefore, the clinical significance of this variant is unclear.

NM_002907.4(RECQL):c.1870C>T (p.Gln624Ter)

Genes: PYROXD1 (pyridine nucleotide-disulphide oxidoreductase domain 1; plus strand), RECQL (RecQ like helicase; minus strand). Cytogenetic location: 12p12.1.
Variant type: single nucleotide variant.
Coding change: c.1870C>T on transcript NM_002907.4 (MANE Select); coding-DNA position 1870, C replaced by T.
Protein change: p.Gln624Ter; replaces glutamine 624 with a stop codon.
Molecular consequence: nonsense. On other transcripts: 3 prime UTR variant (3).
Genome position (GRCh38, 1-based): chr12:21,470,274, G>A on the plus strand (C>T on the coding strand, the complement: RECQL is on the minus strand). VCF-style: chr12-21470274-G-A. GRCh37 (hg19) VCF-style: chr12-21623208-G-A.
Other names: c.1870C>T, p.Gln624Ter (NM_032941.3); c.*1520G>A (NM_001350912.2, NM_001350913.2, NM_024854.5); short protein forms Q624*.
Identifiers: ClinVar variation 1781683 (VCV001781683.3), dbSNP rs1266846309, ClinGen allele CA384113760.
Genomic context (GRCh38, chr12:21,470,274, plus strand): 5'-TTTTCTTAGCTCCTGTATTCTTAGAACCAGATTGCTGAAGCATGTTTGCAGCCTTCTTCT[G>A]GAAGTTGCCTGAATTTTTTTCCTCCATCTTTTTATCACCTTGTTCAGAATGACAAGTTTG-3'